The following is an entry in ClinVar:

NM_000037.4(ANK1):c.3280A>G (p.Thr1094Ala)

Gene: ANK1 (ankyrin 1; minus strand). Cytogenetic location: 8p11.21.
Variant type: single nucleotide variant.
Coding change: c.3280A>G on transcript NM_000037.4 (MANE Select); coding-DNA position 3280, A replaced by G.
Protein change: p.Thr1094Ala; replaces threonine 1094 with alanine.
Molecular consequence: missense variant.
Genome position (GRCh38, 1-based): chr8:41,694,639, T>C on the plus strand (A>G on the coding strand, the complement: ANK1 is on the minus strand). VCF-style: chr8-41694639-T-C. GRCh37 (hg19) VCF-style: chr8-41552157-T-C.
Other names: c.3403A>G, p.Thr1135Ala (NM_001142446.2); c.3280A>G, p.Thr1094Ala (NM_020475.3, NM_020476.3, NM_020477.3); c.3280A>G (NM_000037.3); short protein forms T1094A, T1135A.
Identifiers: ClinVar variation 3242176 (VCV003242176.2), dbSNP rs1820301259.

ClinVar aggregate classification (germline): Uncertain significance. Review status: criteria provided, multiple submitters, no conflicts (2 of 4 stars). 2 submissions from 2 submitters: Uncertain significance (2). Last evaluated 2025-10-22.

Conditions:
Inborn genetic diseases. Identifiers: MedGen C0950123, MeSH D030342.
Hereditary spherocytosis type 1. Also called: Spherocytosis type 1; ANK1-Related Spherocytosis. Identifiers: Orphanet 822, MedGen C2674218, MONDO:0008447, OMIM 182900.

Allele frequency attached by ClinVar (database versions not stated): gnomAD exomes 0.00001.
gnomAD v4.1: 14 of 1,614,058 alleles (0.00087%); highest among the groups gnomAD compares: South Asian, 0.0022%; no homozygotes.

Submissions (2):

Ambry Genetics
Classification: Uncertain significance for Inborn genetic diseases. Last evaluated: 2025-10-22. Review status: criteria provided, single submitter. Criteria: Ambry Variant Classification Scheme 2023. Collection method: clinical testing. Allele origin: germline.

Neuberg Centre For Genomic Medicine, NCGM
Classification: Uncertain significance for Hereditary spherocytosis type 1. Review status: criteria provided, single submitter. Criteria: ACMG Guidelines, 2015. Collection method: clinical testing. Allele origin: germline. Inheritance: Autosomal dominant inheritance. Affected: yes.
Comment: The observed missense variant c.3280A>G (p.Thr1094Ala) in ANK1 gene has not been reported previously as a pathogenic variant nor as a benign variant, to our knowledge. The p.Thr1094Ala variant is absent in gnomAD Exomes database. This variant has not been submitted to the ClinVar database. The amino acid change p.Thr1094Ala in ANK1 is predicted as conserved by GERP++ and PhyloP across 100 vertebrates. The amino acid Thr at position 1094 is changed to a Ala changing protein sequence and it might alter its composition and physico-chemical properties. For these reasons, this variant has been classified as a Variant of Uncertain Significance (VUS).